The following is an entry in ClinVar:

NM_000350.3(ABCA4):c.6005+2T>G

Gene: ABCA4 (ATP binding cassette subfamily A member 4; minus strand). Cytogenetic location: 1p22.1.
Variant type: single nucleotide variant.
Coding change: c.6005+2T>G on transcript NM_000350.3 (MANE Select); the canonical splice donor site of the intron after coding-DNA position 6005, T replaced by G.
Molecular consequence: splice donor variant.
Genome position (GRCh38, 1-based): chr1:94,007,632, A>C on the plus strand (T>G on the coding strand, the complement: ABCA4 is on the minus strand). VCF-style: chr1-94007632-A-C. GRCh37 (hg19) VCF-style: chr1-94473188-A-C.
Identifiers: ClinVar variation 859481 (VCV000859481.11), dbSNP rs1453899480, ClinGen allele CA341279328.

ClinVar aggregate classification (germline): Pathogenic/Likely pathogenic. Review status: criteria provided, multiple submitters, no conflicts (2 of 4 stars). 2 submissions from 2 submitters: Pathogenic (1); Likely pathogenic (1). Last evaluated 2022-05-18.

Conditions:
ABCA4-related disorder. Also called: ABCA4-related condition; ABCA4-related disorders. Identifiers: MedGen CN239167.

Allele frequency attached by ClinVar (database versions not stated): TOPMed 0.00001.

Submissions (2):

Blueprint Genetics
Classification: Likely pathogenic for ABCA4-related disorders. Last evaluated: 2022-05-18. Review status: criteria provided, single submitter. Criteria: ACMG Guidelines, 2015. Collection method: clinical testing. Allele origin: germline. Affected: yes. Observed: 1 variant allele.

Labcorp Genetics (formerly Invitae), Labcorp
Classification: Pathogenic. Last evaluated: 2019-11-20. Review status: criteria provided, single submitter. Criteria: Invitae Variant Classification Sherloc (09022015). Collection method: clinical testing. Allele origin: germline.
Comment: This variant is not present in population databases (ExAC no frequency). This sequence change affects a donor splice site in intron 43 of the ABCA4 gene. It is expected to disrupt RNA splicing and likely results in an absent or disrupted protein product. Disruption of this splice site has been observed in individual(s) with Stargardt disease (PMID: 29925512, 22229821). For these reasons, this variant has been classified as Pathogenic. Donor and acceptor splice site variants typically lead to a loss of protein function (PMID: 16199547), and loss-of-function variants in ABCA4 are known to be pathogenic (PMID: 10958761, 24938718, 25312043, 26780318). Algorithms developed to predict the effect of sequence changes on RNA splicing suggest that this variant may disrupt the consensus splice site, but this prediction has not been confirmed by published transcriptional studies.

Literature cited by the submitters: PubMed 29925512 (cited by Labcorp Genetics (formerly Invitae), Labcorp); PubMed 22229821 (cited by Labcorp Genetics (formerly Invitae), Labcorp); PubMed 16199547 (cited by Labcorp Genetics (formerly Invitae), Labcorp); PubMed 10958761 (cited by Labcorp Genetics (formerly Invitae), Labcorp); PubMed 24938718 (cited by Labcorp Genetics (formerly Invitae), Labcorp); PubMed 25312043 (cited by Labcorp Genetics (formerly Invitae), Labcorp); PubMed 26780318 (cited by Labcorp Genetics (formerly Invitae), Labcorp).